The following is an entry in ClinVar:

ClinVar aggregate classification (germline): Uncertain significance. Review status: criteria provided, multiple submitters, no conflicts (2 of 4 stars). 4 submissions from 4 submitters: Uncertain significance (4). Last evaluated 2026-01-25.

Conditions:
Hereditary cancer-predisposing syndrome. Also called: Neoplastic Syndromes, Hereditary; Tumor predisposition; Hereditary neoplastic syndrome; Hereditary Cancer Syndrome. Identifiers: Orphanet 140162, MedGen C0027672, MeSH D009386, MONDO:0015356.
Familial adenomatous polyposis 1 (FAP1). Also called: FAMILIAL ADENOMATOUS POLYPOSIS 1, ATTENUATED; POLYPOSIS, ADENOMATOUS INTESTINAL. Identifiers: MedGen C2713442, MONDO:0021056, OMIM 175100. Disease mechanism: loss of function.

Allele frequency attached by ClinVar (database versions not stated): gnomAD exomes below 0.00001; TOPMed 0.00002.
gnomAD v4.1: 2 of 1,614,098 alleles (0.00012%); highest among the groups gnomAD compares: Non-Finnish European, 0.00017%; no homozygotes.

Submissions (4):

Labcorp Genetics (formerly Invitae), Labcorp
Classification: Uncertain significance for Familial adenomatous polyposis 1. Last evaluated: 2026-01-25. Review status: criteria provided, single submitter. Criteria: Invitae Variant Classification Sherloc (09022015). Collection method: clinical testing. Allele origin: germline.
Comment: This sequence change replaces serine, which is neutral and polar, with phenylalanine, which is neutral and non-polar, at codon 1504 of the APC protein (p.Ser1504Phe). This variant is not present in population databases (gnomAD no frequency). This variant has not been reported in the literature in individuals affected with APC-related conditions. ClinVar contains an entry for this variant (Variation ID: 580314). Invitae Evidence Modeling of protein sequence and biophysical properties (such as structural, functional, and spatial information, amino acid conservation, physicochemical variation, residue mobility, and thermodynamic stability) indicates that this missense variant is not expected to disrupt APC protein function with a negative predictive value of 95%. In summary, the available evidence is currently insufficient to determine the role of this variant in disease. Therefore, it has been classified as a Variant of Uncertain Significance.

Ambry Genetics
Classification: Uncertain significance for Hereditary cancer-predisposing syndrome. Last evaluated: 2025-06-10. Review status: criteria provided, single submitter. Criteria: Ambry Variant Classification Scheme 2023. Collection method: clinical testing. Allele origin: germline.
Comment: The p.S1504F variant (also known as c.4511C>T), located in coding exon 15 of the APC gene, results from a C to T substitution at nucleotide position 4511. The serine at codon 1504 is replaced by phenylalanine, an amino acid with highly dissimilar properties. This amino acid position is highly conserved in available vertebrate species. In addition, in silico predictors for this gene do not accurately predict pathogenicity. Missense alterations in APC are not a common cause of disease (Spier I et al. Genet Med. 2024 Feb;26(2):100992). Based on the available evidence, the clinical significance of this variant remains unclear.

GeneDx
Classification: Uncertain significance. Last evaluated: 2023-05-16. Review status: criteria provided, single submitter. Criteria: GeneDx Variant Classification Process June 2021. Collection method: clinical testing. Allele origin: germline. Affected: yes.
Comment: Not observed at significant frequency in large population cohorts (gnomAD); In silico analysis supports that this missense variant has a deleterious effect on protein structure/function; Has not been previously published as pathogenic or benign to our knowledge; This variant is associated with the following publications: (PMID: 27311873, 18199528)

Color Diagnostics, LLC DBA Color Health
Classification: Uncertain significance for Hereditary cancer-predisposing syndrome. Last evaluated: 2023-03-20. Review status: criteria provided, single submitter. Criteria: ACMG Guidelines, 2015. Collection method: clinical testing. Allele origin: germline.
Comment: This missense variant replaces serine with phenylalanine at codon 1504 of the APC protein. Computational prediction is inconclusive regarding the impact of this variant on protein structure and function (internally defined REVEL score threshold 0.5 < inconclusive < 0.7, PMID: 27666373). To our knowledge, functional studies have not been reported for this variant. This variant has not been reported in individuals affected with APC-related disorders in the literature. This variant has not been identified in the general population by the Genome Aggregation Database (gnomAD). The available evidence is insufficient to determine the role of this variant in disease conclusively. Therefore, this variant is classified as a Variant of Uncertain Significance.

NM_000038.6(APC):c.4511C>T (p.Ser1504Phe)

Gene: APC (APC regulator of Wnt signaling pathway; plus strand). Cytogenetic location: 5q22.2.
Variant type: single nucleotide variant.
Coding change: c.4511C>T on transcript NM_000038.6 (MANE Select); coding-DNA position 4511, C replaced by T.
Protein change: p.Ser1504Phe; replaces serine 1504 with phenylalanine.
Molecular consequence: missense variant.
Genome position (GRCh38, 1-based): chr5:112,840,105, C>T. VCF-style: chr5-112840105-C-T. GRCh37 (hg19) VCF-style: chr5-112175802-C-T.
Other names: c.4511C>T, p.Ser1504Phe (NM_001127510.3, NM_001354895.2); c.4457C>T, p.Ser1486Phe (NM_001127511.3); c.4565C>T, p.Ser1522Phe (NM_001354896.2); c.4541C>T, p.Ser1514Phe (NM_001354897.2); c.4436C>T, p.Ser1479Phe (NM_001354898.2); c.4427C>T, p.Ser1476Phe (NM_001354899.2); c.4388C>T, p.Ser1463Phe (NM_001354900.2); c.4334C>T, p.Ser1445Phe (NM_001354901.2); and 5 more; short protein forms S1504F, S1486F, S1479F, S1221F, S1378F, S1403F, S1413F, S1463F.
Identifiers: ClinVar variation 580314 (VCV000580314.20), dbSNP rs1239085756, ClinGen allele CA16031204.